The following is an entry in ClinVar:

ClinVar aggregate classification (germline): Uncertain significance (1 of 4 stars; one submission).

Conditions:
Hereditary breast ovarian cancer syndrome. Also called: Hereditary breast and ovarian cancer syndrome; Hereditary breast and/or ovarian cancer syndrome; Hereditary breast and ovarian cancer; BRCA1- and BRCA2-Associated Hereditary Breast and Ovarian Cancer; Hereditary breast and ovarian cancer syndrome (HBOC); Breast and ovarian cancer. Identifiers: Orphanet 145, MedGen C0677776, MeSH D061325, MONDO:0003582. Disease mechanism: loss of function.

Submission:

Labcorp Genetics (formerly Invitae), Labcorp
Classification: Uncertain significance for Hereditary breast ovarian cancer syndrome. Last evaluated: 2022-02-19. Review status: criteria provided, single submitter. Criteria: Invitae Variant Classification Sherloc (09022015). Collection method: clinical testing. Allele origin: germline.
Comment: In summary, the available evidence is currently insufficient to determine the role of this variant in disease. Therefore, it has been classified as a Variant of Uncertain Significance. Experimental studies and prediction algorithms are not available or were not evaluated, and the functional significance of this variant is currently unknown. This variant has been observed in individual(s) with breast and/or ovarian cancer (PMID: 29236234). This variant is not present in population databases (gnomAD no frequency). This variant occurs in a non-coding region of the BRCA2 gene. It does not change the encoded amino acid sequence of the BRCA2 protein.

Literature cited by the submitters: PubMed 29236234.

NM_000059.4(BRCA2):c.-125G>C

Genes: BRCA2 (BRCA2 DNA repair associated; plus strand), LOC106721785 (BRCA2 promoter/silencer region; plus strand). Cytogenetic location: 13q13.1.
Variant type: single nucleotide variant.
Coding change: c.-125G>C on transcript NM_000059.4 (MANE Select); 125 bases upstream of the start codon, G replaced by C.
Molecular consequence: 5 prime UTR variant.
Genome position (GRCh38, 1-based): chr13:32,315,582, G>C. VCF-style: chr13-32315582-G-C. GRCh37 (hg19) VCF-style: chr13-32889719-G-C.
Other names: c.-125G>C (NM_001406719.1, NM_001406720.1, NM_001406721.1); c.-388G>C (NM_001406722.1).
Identifiers: ClinVar variation 2144940 (VCV002144940.4), dbSNP rs2138695309, ClinGen allele CA2580086908.